The following is an entry in ClinVar:

NM_004329.3(BMPR1A):c.505_510del (p.Ile169_Phe170del)

Gene: BMPR1A (bone morphogenetic protein receptor type 1A; plus strand). Cytogenetic location: 10q23.2.
Variant type: Deletion.
Coding change: c.505_510del on transcript NM_004329.3 (MANE Select); coding-DNA positions 505 to 510, 6 bases deleted (ATCTTC; older notation c.505_510delATCTTC).
Protein change: p.Ile169_Phe170del.
Molecular consequence: inframe deletion.
Genome position (GRCh38, 1-based): chr10:86,900,101-86,900,106, ATCTTC deleted; deleting any 6 consecutive bases within chr10:86,900,099-86,900,106 gives the same sequence; the c. name uses the placement nearest the transcript's 3' end. VCF-style (leftmost placement, unchanged base first): chr10-86900098-ATCATCT-A. GRCh37 (hg19) VCF-style: chr10-88659855-ATCATCT-A.
Other names: c.505_510delATCTTC (NM_004329.2).
Identifiers: ClinVar variation 641427 (VCV000641427.10), dbSNP rs1589768267, ClinGen allele CA915947541.

ClinVar aggregate classification (germline): Uncertain significance (1 of 4 stars; one submission).

Conditions:
Juvenile polyposis syndrome (JPS). Identifiers: Orphanet 2929, MedGen C0345893, MONDO:0017380, OMIM 174900.

Submission:

Labcorp Genetics (formerly Invitae), Labcorp
Classification: Uncertain significance for Juvenile polyposis syndrome. Last evaluated: 2018-07-03. Review status: criteria provided, single submitter. Criteria: Invitae Variant Classification Sherloc (09022015). Collection method: clinical testing. Allele origin: germline.
Comment: In summary, the available evidence is currently insufficient to determine the role of this variant in disease. Therefore, it has been classified as a Variant of Uncertain Significance. Experimental studies and prediction algorithms are not available for this variant, and the functional significance of the deleted amino acids is currently unknown. This variant has not been reported in the literature in individuals with BMPR1A-related disease. This variant is not present in population databases (ExAC no frequency). This variant, c.505_510delATCTTC, results in the deletion of 2 amino acids of the BMPR1A protein (p.Ile169_Phe170del), but otherwise preserves the integrity of the reading frame.